The following is an entry in ClinVar:

ClinVar aggregate classification (germline): Conflicting classifications of pathogenicity. Review status: criteria provided, conflicting classifications (1 of 4 stars). 2 submissions from 2 submitters: Uncertain significance (1); Likely benign (1). Last evaluated 2023-03-23.

Conditions:
Hereditary cancer-predisposing syndrome. Also called: Tumor predisposition; Hereditary neoplastic syndrome; Neoplastic Syndromes, Hereditary; Hereditary Cancer Syndrome. Identifiers: Orphanet 140162, MedGen C0027672, MeSH D009386, MONDO:0015356.
Hereditary breast ovarian cancer syndrome. Also called: Hereditary breast and ovarian cancer; Hereditary breast and/or ovarian cancer syndrome; Hereditary breast and ovarian cancer syndrome; Hereditary breast and ovarian cancer syndrome (HBOC); Breast and ovarian cancer; BRCA1- and BRCA2-Associated Hereditary Breast and Ovarian Cancer. Identifiers: Orphanet 145, MedGen C0677776, MeSH D061325, MONDO:0003582. Disease mechanism: loss of function.

Allele frequency attached by ClinVar (database versions not stated): TOPMed below 0.00001.

Submissions (2):

University of Washington Department of Laboratory Medicine, University of Washington
Classification: Likely benign for Hereditary cancer-predisposing syndrome. Last evaluated: 2023-03-23. Review status: criteria provided, single submitter. Criteria: Dines et al. (Genet Med. 2020). Collection method: curation. Allele origin: germline.
Comment: Missense variant in a coldspot region where missense variants are very unlikely to be pathogenic (PMID:31911673).

BRCA1 coldspot (exon 11 using historical exon numbering). Reclassification based on statistical prior probability

Labcorp Genetics (formerly Invitae), Labcorp
Classification: Uncertain significance for Hereditary breast ovarian cancer syndrome. Last evaluated: 2021-12-29. Review status: criteria provided, single submitter. Criteria: Invitae Variant Classification Sherloc (09022015). Collection method: clinical testing. Allele origin: germline.
Comment: In summary, the available evidence is currently insufficient to determine the role of this variant in disease. Therefore, it has been classified as a Variant of Uncertain Significance. Advanced modeling of protein sequence and biophysical properties (such as structural, functional, and spatial information, amino acid conservation, physicochemical variation, residue mobility, and thermodynamic stability) performed at Invitae indicates that this missense variant is not expected to disrupt BRCA1 protein function. This variant has not been reported in the literature in individuals affected with BRCA1-related conditions. This variant is not present in population databases (gnomAD no frequency). This sequence change replaces serine, which is neutral and polar, with asparagine, which is neutral and polar, at codon 803 of the BRCA1 protein (p.Ser803Asn).

NM_007294.4(BRCA1):c.2408G>A (p.Ser803Asn)

Gene: BRCA1 (BRCA1 DNA repair associated; minus strand). Cytogenetic location: 17q21.31.
Variant type: single nucleotide variant.
Coding change: c.2408G>A on transcript NM_007294.4 (MANE Select); coding-DNA position 2408, G replaced by A.
Protein change: p.Ser803Asn; replaces serine 803 with asparagine.
Molecular consequence: missense variant. On other transcripts: intron variant (137).
Genome position (GRCh38, 1-based): chr17:43,093,123, C>T on the plus strand (G>A on the coding strand, the complement: BRCA1 is on the minus strand). VCF-style: chr17-43093123-C-T. GRCh37 (hg19) VCF-style: chr17-41245140-C-T.
Other names: c.643+1621G>A (NM_001408463.1, NM_001408462.1, NM_001408470.1 and 3 more transcripts); c.523+1621G>A (NM_001408499.1, NM_001408498.1, NM_001408501.1 and 3 more transcripts); c.671-2091G>A (NM_001408422.1, NM_001408418.1, NM_001408423.1 and 2 more transcripts); c.706+1621G>A (NM_001408416.1, NM_001408413.1); c.577+1621G>A (NM_001408484.1, NM_001408478.1, NM_001408514.1 and 9 more transcripts); c.661+1621G>A (NM_001408450.1, NM_001408434.1, NM_001408447.1 and 6 more transcripts); c.784+1621G>A (NM_001408398.1, NM_001407992.1, NM_001407972.1 and 13 more transcripts); c.664+1621G>A (NM_001408440.1, NM_001408428.1, NM_001408441.1 and 12 more transcripts); and 41 more; short protein forms S635N, S676N, S732N, S756N, S762N, S777N, S802N, S803N.
Identifiers: ClinVar variation 2064408 (VCV002064408.6), dbSNP rs2053765918, ClinGen allele CA10597193.